The following is an entry in ClinVar:

NM_145068.4(TRPV3):c.1078A>C (p.Ile360Leu)

Gene: TRPV3 (transient receptor potential cation channel subfamily V member 3; minus strand). Cytogenetic location: 17p13.2.
Variant type: single nucleotide variant.
Coding change: c.1078A>C on transcript NM_145068.4 (MANE Select); coding-DNA position 1078, A replaced by C.
Protein change: p.Ile360Leu; replaces isoleucine 360 with leucine.
Molecular consequence: missense variant.
Genome position (GRCh38, 1-based): chr17:3,530,191, T>G on the plus strand (A>C on the coding strand, the complement: TRPV3 is on the minus strand). VCF-style: chr17-3530191-T-G. GRCh37 (hg19) VCF-style: chr17-3433485-T-G.
Other names: c.1078A>C, p.Ile360Leu (NM_001258205.2); short protein forms I360L.
Identifiers: ClinVar variation 322777 (VCV000322777.5), dbSNP rs767689187, ClinGen allele CA8289594.

ClinVar aggregate classification (germline): Benign (1 of 4 stars; one submission).

Conditions:
Isolated focal non-epidermolytic palmoplantar keratoderma. Also called: Palmoplantar keratoderma, nonepidermolytic, focal 2. Identifiers: Orphanet 448264, MedGen C4225339, MONDO:0014622, OMIM 616400.

Allele frequency attached by ClinVar (database versions not stated): TOPMed below 0.00001 and 0.00001; ExAC 0.00002; gnomAD exomes 0.00001.
gnomAD v4.1: 2 of 1,612,334 alleles (0.00012%); highest among the groups gnomAD compares: Admixed American, 0.0033%; no homozygotes.

Submission:

Illumina Laboratory Services, Illumina
Classification: Benign for Isolated focal non-epidermolytic palmoplantar keratoderma. Last evaluated: 2018-01-12. Review status: criteria provided, single submitter. Criteria: ICSL Variant Classification Criteria 13 December 2019. Collection method: clinical testing. Allele origin: germline.
Comment: This variant was observed in the ICSL laboratory as part of a predisposition screen in an ostensibly healthy population. It had not been previously curated by ICSL or reported in the Human Gene Mutation Database (HGMD: prior to June 1st, 2018), and was therefore a candidate for classification through an automated scoring system. Utilizing variant allele frequency, disease prevalence and penetrance estimates, and inheritance mode, an automated score was calculated to assess if this variant is too frequent to cause the disease. Based on the score and internal cut-off values, a variant classified as benign is not then subjected to further curation. The score for this variant resulted in a classification of benign for this disease.